The following is an entry in ClinVar:

NM_000152.5(GAA):c.827_845del (p.Ile276fs)

Gene: GAA (alpha glucosidase; plus strand). Cytogenetic location: 17q25.3.
Variant type: Deletion.
Coding change: c.827_845del on transcript NM_000152.5 (MANE Select); coding-DNA positions 827 to 845, 19 bases deleted (TCACCCTGTGGAACCGGGA).
Protein change: p.Ile276fs; shifts the reading frame from isoleucine 276.
Molecular consequence: frameshift variant.
Genome position (GRCh38, 1-based): chr17:80,107,691-80,107,709, TCACCCTGTGGAACCGGGA deleted; deleting any 19 consecutive bases within chr17:80,107,688-80,107,709 gives the same sequence; the c. name uses the placement nearest the transcript's 3' end. VCF-style (leftmost placement, unchanged base first): chr17-80107687-AGGATCACCCTGTGGAACCG-A. GRCh37 (hg19) VCF-style: chr17-78081486-AGGATCACCCTGTGGAACCG-A.
Other names: NM_001079804.3:c.827_845del; c.827_845del, p.Ile276fs (NM_001079803.3, NM_001079804.3); short protein forms I276fs.
Identifiers: ClinVar variation 1327504 (VCV001327504.5), dbSNP rs2143847172, ClinGen allele CA658795238.
Genomic context (GRCh38, chr17:80,107,687, plus strand): 5'-CAGTATATCACAGGCCTCGCCGAGCACCTCAGTCCCCTGATGCTCAGCACCAGCTGGACC[AGGATCACCCTGTGGAACCG>A]GGACCTTGCGCCCACGGTACAGCGGCGGGCGGCGGGCGGGGGCACTGAGCTGGGGAGCGC-3'

ClinVar aggregate classification (germline): Pathogenic. Review status: reviewed by expert panel (3 of 4 stars). 2 submissions from 2 submitters: Pathogenic (1). 1 of the submissions does not count toward it. Last evaluated 2024-05-21.

Conditions:
Glycogen storage disease, type II (IOPD). Also called: CARDIOMEGALIA GLYCOGENICA DIFFUSA; GLYCOGENOSIS, GENERALIZED, CARDIAC FORM; GSD II; POMPE DISEASE, INFANTILE-ONSET; GLYCOGEN STORAGE DISEASE II, INFANTILE-ONSET; ACID ALPHA-GLUCOSIDASE DEFICIENCY, INFANTILE-ONSET. Identifiers: Orphanet 365, MedGen C0017921, MONDO:0009290, OMIM 232300.

Submissions (2):

ClinGen Lysosomal Storage Disorder Variant Curation Expert Panel
Classification: Pathogenic for Glycogen storage disease, type II. Last evaluated: 2024-05-21. Review status: reviewed by expert panel. Criteria: clingen_lsd_acmg_specifications_v2-1. Collection method: curation. Allele origin: germline. Inheritance: Autosomal recessive inheritance.
Comment: The NM_000152.5:c.827_845del (p.Ile276ThrfsTer32) variant in GAA is a frameshift variant predicted to cause a premature stop codon in biologically-relevant-exon 5 out of 20, leading to nonsense mediated decay in a gene in which loss-of-function is an established disease mechanism (PVS1). One patient with clinical features consistent with late onset Pompe disease, elevated creatine kinase, and histological features of Pompe disease was reported to be compound heterozygous for the variant and another variant in GAA that has been classified as pathogenic by the ClinGen Lysosomal Diseases Variant Curation Expert Panel, c.2238G>C (p.Trp746Cys) (ClinVar variation ID: 265160, SCV002032122.1). The variants were confirmed to be in trans by parental DNA analysis (PMID 27099502) (PM3). This variant is absent in gnomAD v2.1.1 (PM2_Supporting). GAA-specific ACMG/AMP criteria met, as specified by the ClinGen Lysosomal Diseases Variant Curation Expert Panel (Specification Version 2.0): PVS1, PM3, PM2_Supporting (Classification approved by the ClinGen Lysosomal Diseases Variant Curation Expert Panel on May 21, 2024).

Genomenon, Inc
Classification: Pathogenic for Glycogen storage disease, type II. Last evaluated: 2026-07-01. Review status: criteria provided, single submitter. Criteria: Genomenon Sequence Variant Interpretation Standards - Updated. Collection method: curation. Allele origin: germline. Affected: yes. Not counted in ClinVar's aggregate classification.
Comment: GAA p.Ile276ThrfsTer32 (c.827_845del) is a frameshift variant that is predicted to introduce a premature termination codon and result in a truncated or absent protein product. This variant has been observed in at least one proband with a GAA-related disorder (PMID:39010129;27099502). It is absent or not present at a significant frequency in gnomAD. In conclusion, we classify GAA p.Ile276ThrfsTer32 (c.827_845del) as a pathogenic variant.

Literature cited by the submitters: PubMed 39010129 (cited by Genomenon, Inc); PubMed 27099502 (cited by Genomenon, Inc).